The following is an entry in ClinVar:

NM_000051.4(ATM):c.6338C>T (p.Thr2113Ile)

Genes: ATM (ATM serine/threonine kinase; plus strand), C11orf65 (chromosome 11 open reading frame 65; minus strand). Cytogenetic location: 11q22.3.
Variant type: single nucleotide variant.
Coding change: c.6338C>T on transcript NM_000051.4 (MANE Select); coding-DNA position 6338, C replaced by T.
Protein change: p.Thr2113Ile; replaces threonine 2113 with isoleucine.
Molecular consequence: missense variant. On other transcripts: intron variant (2).
Genome position (GRCh38, 1-based): chr11:108,317,512, C>T. VCF-style: chr11-108317512-C-T. GRCh37 (hg19) VCF-style: chr11-108188239-C-T.
Other names: c.6338C>T, p.Thr2113Ile (NM_001351834.2); c.641-8441G>A (NM_001330368.2); c.*39-8441G>A (NM_001351110.2); short protein forms T2113I.
Identifiers: ClinVar variation 1752926 (VCV001752926.6), dbSNP rs573290117, ClinGen allele CA382552315.

ClinVar aggregate classification (germline): Conflicting classifications of pathogenicity. Review status: criteria provided, conflicting classifications (1 of 4 stars). 3 submissions from 3 submitters: Uncertain significance (2); Likely benign (1). Last evaluated 2025-12-05.

Conditions:
Ataxia-telangiectasia syndrome (AT). Also called: Ataxia telangiectasia (A-T); LOUIS-BAR SYNDROME; Cerebello-oculocutaneous telangiectasia; Immunodeficiency with ataxia telangiectasia; Ataxia-telangiectasia, complementation group D; AT, COMPLEMENTATION GROUP C. Identifiers: Orphanet 100, MedGen C0004135, MONDO:0008840, OMIM 208900.
Hereditary cancer-predisposing syndrome. Also called: Hereditary neoplastic syndrome; Neoplastic Syndromes, Hereditary; Tumor predisposition; Hereditary Cancer Syndrome. Identifiers: Orphanet 140162, MedGen C0027672, MeSH D009386, MONDO:0015356.

Submissions (3):

Labcorp Genetics (formerly Invitae), Labcorp
Classification: Uncertain significance for Ataxia-telangiectasia syndrome. Last evaluated: 2025-12-05. Review status: criteria provided, single submitter. Criteria: Invitae Variant Classification Sherloc (09022015). Collection method: clinical testing. Allele origin: germline.
Comment: This sequence change replaces threonine, which is neutral and polar, with isoleucine, which is neutral and non-polar, at codon 2113 of the ATM protein (p.Thr2113Ile). This variant is not present in population databases (gnomAD no frequency). This variant has not been reported in the literature in individuals affected with ATM-related conditions. ClinVar contains an entry for this variant (Variation ID: 1752926). Invitae Evidence Modeling of protein sequence and biophysical properties (such as structural, functional, and spatial information, amino acid conservation, physicochemical variation, residue mobility, and thermodynamic stability) indicates that this missense variant is not expected to disrupt ATM protein function with a negative predictive value of 95%. In summary, the available evidence is currently insufficient to determine the role of this variant in disease. Therefore, it has been classified as a Variant of Uncertain Significance.

Ambry Genetics
Classification: Likely benign for Hereditary cancer-predisposing syndrome. Last evaluated: 2022-06-12. Review status: criteria provided, single submitter. Criteria: Ambry Variant Classification Scheme 2023. Collection method: clinical testing. Allele origin: germline.

Color Diagnostics, LLC DBA Color Health
Classification: Uncertain significance for Hereditary cancer-predisposing syndrome. Last evaluated: 2021-11-18. Review status: criteria provided, single submitter. Criteria: ACMG Guidelines, 2015. Collection method: clinical testing. Allele origin: germline.
Comment: This missense variant replaces threonine with isoleucine at codon 2113 of the ATM protein. Computational prediction suggests that this variant may not impact protein structure and function (internally defined REVEL score threshold <= 0.5, PMID: 27666373). To our knowledge, functional studies have not been reported for this variant. This variant has not been reported in individuals affected with hereditary cancer in the literature. This variant has not been identified in the general population by the Genome Aggregation Database (gnomAD). The available evidence is insufficient to determine the role of this variant in disease conclusively. Therefore, this variant is classified as a Variant of Uncertain Significance.